The following is an entry in ClinVar:

NM_000492.4(CFTR):c.3874-1G>A

Gene: CFTR (CF transmembrane conductance regulator; plus strand). Cytogenetic location: 7q31.2.
Variant type: single nucleotide variant.
Coding change: c.3874-1G>A on transcript NM_000492.4 (MANE Select); the canonical splice acceptor site of the intron before coding-DNA position 3874, G replaced by A.
Molecular consequence: splice acceptor variant.
Genome position (GRCh38, 1-based): chr7:117,652,841, G>A. VCF-style: chr7-117652841-G-A. GRCh37 (hg19) VCF-style: chr7-117292895-G-A.
Other names: 4006-1 G>A.
Identifiers: ClinVar variation 53832 (VCV000053832.16), dbSNP rs397508624, ClinGen allele CA327321.
Genomic context (GRCh38, chr7:117,652,841, plus strand): 5'-GGAAAAATAAAAAGTTATTTAAGTTATTCATACTTTCTTCTTCTTTTCTTTTTTGCTATA[G>A]AAAGTATTTATTTTTTCTGGAACATTTAGAAAAAACTTGGATCCCTATGAACAGTGGAGT-3'

ClinVar aggregate classification (germline): Pathogenic/Likely pathogenic. Review status: criteria provided, multiple submitters, no conflicts (2 of 4 stars). 9 submissions from 9 submitters: Pathogenic (5); Likely pathogenic (3). 1 of the submissions does not count toward it. Last evaluated 2025-12-08.

Conditions:
CFTR-related disorder (CFTR-RD). Also called: CFTR-related condition; CFTR-related disorders. Identifiers: MedGen C5924204, MONDO:7770004.
Bronchiectasis with or without elevated sweat chloride 1 (BESC1). Also called: Cystic Fibrosis-Like Syndrome. Identifiers: Orphanet 60033, MedGen C2749757, MONDO:0008887, OMIM 211400.
Cystic fibrosis (CF). Also called: MUCOVISCIDOSIS. Identifiers: Orphanet 586, MedGen C0010674, MONDO:0009061, OMIM 219700. Disease mechanism: loss of function.

Allele frequency attached by ClinVar (database versions not stated): gnomAD exomes below 0.00001.
gnomAD v4.1: 2 of 1,414,164 alleles (0.00014%); highest among the groups gnomAD compares: African/African-American, 0.0028%; no homozygotes.

Submissions (9):

Women's Health and Genetics/Laboratory Corporation of America, LabCorp
Classification: Likely pathogenic for Cystic fibrosis. Last evaluated: 2025-12-08. Review status: criteria provided, single submitter. Criteria: LabCorp Variant Classification Summary - May 2015. Collection method: clinical testing. Allele origin: germline.
Comment: Variant summary: CFTR c.3874-1G>A is located in a canonical splice-site and is predicted to affect mRNA splicing resulting in a significantly altered protein due to either exon skipping, shortening, or inclusion of intronic material. Variants that disrupt the consensus splice site are a relatively common cause of aberrant splicing and loss of CFTR function. Several computational tools predict a significant impact on normal splicing: Four predict the variant abolishes a 3 acceptor site. One predict the variant creates a 3 acceptor site. However, these predictions have yet to be confirmed by functional studies. The variant was absent in 245646 control chromosomes. c.3874-1G>A has been observed in individual(s) affected with Cystic Fibrosis. These data indicate that the variant may be associated with disease. To our knowledge, no experimental evidence demonstrating an impact on protein function has been reported. ClinVar contains an entry for this variant (Variation ID: 53832). Based on the evidence outlined above, the variant was classified as likely pathogenic.

Natera, Inc.
Classification: Likely pathogenic for CFTR-related disorders. Last evaluated: 2025-02-20. Review status: criteria provided, single submitter. Criteria: Natera Variant Classification Schema (03/2026). Collection method: clinical testing. Allele origin: germline.
Comment: The c.3874-1G>A variant in CFTR is a canonical splice acceptor site variant predicted to affect pre-mRNA splicing, which may result in an abnormal transcript and altered protein product. This variant is expected to result in nonsense mediated decay, truncation, or a dysfunctional protein product. This variant is rare in the general population with a frequency below the threshold expected for the associated phenotype(s). This variant has been observed in one or more individuals affected with the associated recessive disease, as either homozygous or compound heterozygous with a second variant (PMID: 10612849, 17825628, 39151434). Given the available evidence, this variant is classified as Likely Pathogenic.

ARUP Laboratories, Molecular Genetics and Genomics, ARUP Laboratories
Classification: Pathogenic for Cystic fibrosis. Last evaluated: 2024-05-01. Review status: criteria provided, single submitter. Criteria: ARUP Molecular Germline Variant Investigation Process 2024. Collection method: clinical testing. Allele origin: germline.
Comment: The CFTR c.3874-1G>A variant (rs397508624), also known as c.4006-1G>A, is reported in the literature in multiple individuals affected with cystic fibrosis (Mittre 2000, CFTR2 database). This variant is also reported in ClinVar (Variation ID: 53832) and is absent from the Genome Aggregation Database (v2.1.1), indicating it is not a common polymorphism. This variant abolishes the canonical translation initiation site, which is likely to disrupt gene function. Based on available information, this variant is considered to be pathogenic. References: Link to CFTR2 database: Mittre H et al. A novel splice mutation, 4006-1G>A, in intron 21 of the cystic fibrosis transmembrane conductance regulator (CFTR) gene. Hum Mutat. 2000 Jan;15(1):121. PMID: 10612849.

Baylor Genetics
Classification: Pathogenic for Bronchiectasis with or without elevated sweat chloride 1. Last evaluated: 2024-03-13. Review status: criteria provided, single submitter. Criteria: ACMG Guidelines, 2015. Collection method: clinical testing. Allele origin: unknown.

Labcorp Genetics (formerly Invitae), Labcorp
Classification: Pathogenic for Cystic fibrosis. Last evaluated: 2024-03-04. Review status: criteria provided, single submitter. Criteria: Invitae Variant Classification Sherloc (09022015). Collection method: clinical testing. Allele origin: germline.
Comment: This sequence change affects an acceptor splice site in intron 23 of the CFTR gene. It is expected to disrupt RNA splicing. Variants that disrupt the donor or acceptor splice site typically lead to a loss of protein function (PMID: 16199547), and loss-of-function variants in CFTR are known to be pathogenic (PMID: 1695717, 7691345, 9725922). This variant is not present in population databases (gnomAD no frequency). Disruption of this splice site has been observed in individual(s) with cystic fibrosis (PMID: 10612849, 17825628). In at least one individual the data is consistent with being in trans (on the opposite chromosome) from a pathogenic variant. This variant is also known as c.4006-1G>A or 4005-1G>A. ClinVar contains an entry for this variant (Variation ID: 53832). Algorithms developed to predict the effect of sequence changes on RNA splicing suggest that this variant may disrupt the consensus splice site. For these reasons, this variant has been classified as Pathogenic.

Institute of Human Genetics, University of Leipzig Medical Center
Classification: Likely pathogenic for Cystic fibrosis. Last evaluated: 2022-09-05. Review status: criteria provided, single submitter. Criteria: ACMG Guidelines, 2015. Collection method: curation. Allele origin: unknown. Affected: yes. Observed: 1 variant allele.
Comment: The variant was classified in the context of a project re-classifying variants in the German Cystic Fibrosis Registry (Muko.e.V.). Criteria applied: PVS1_STR, PM2_SUP, PM3, PP4

Mendelics
Classification: Pathogenic for Cystic fibrosis. Last evaluated: 2018-11-05. Review status: criteria provided, single submitter. Criteria: Mendelics Assertion Criteria 2017. Collection method: clinical testing. Allele origin: unknown. Affected: yes.

CFTR-France
Classification: Pathogenic for cystic fibrosis. Last evaluated: 2018-01-29. Review status: criteria provided, single submitter. Criteria: Claustres M et al. (Hum Mutat 2017). Collection method: curation. Allele origin: germline. Affected: yes.

ClinVar Staff, National Center for Biotechnology Information (NCBI)
No classification provided. Condition: CFTR-related disorders. Review status: no classification provided. Collection method: literature only. Allele origin: germline. Affected: yes. Not counted in ClinVar's aggregate classification.

Literature cited by the submitters: PubMed 12000363 (cited by Women's Health and Genetics/Laboratory Corporation of America, LabCorp); PubMed 17825628 (cited by 3 submitters); PubMed 32819855 (cited by Women's Health and Genetics/Laboratory Corporation of America, LabCorp); PubMed 28771972 (cited by Women's Health and Genetics/Laboratory Corporation of America, LabCorp); PubMed 10612849 (cited by 4 submitters); PubMed 39151434 (cited by Natera, Inc.); PubMed 16199547 (cited by Labcorp Genetics (formerly Invitae), Labcorp); PubMed 1695717 (cited by Labcorp Genetics (formerly Invitae), Labcorp); PubMed 7691345 (cited by Labcorp Genetics (formerly Invitae), Labcorp); PubMed 9725922 (cited by Labcorp Genetics (formerly Invitae), Labcorp); PubMed 18456578 (cited by ClinVar Staff, National Center for Biotechnology Information (NCBI)).